The following is an entry in ClinVar:

NM_024642.5(GALNT12):c.1215A>G (p.Glu405=)

Gene: GALNT12 (polypeptide N-acetylgalactosaminyltransferase 12; plus strand). Cytogenetic location: 9q22.33.
Variant type: single nucleotide variant.
Coding change: c.1215A>G on transcript NM_024642.5 (MANE Select); coding-DNA position 1215, A replaced by G.
Protein change: p.Glu405=; no amino-acid change (glutamic acid 405 retained).
Molecular consequence: synonymous variant.
Genome position (GRCh38, 1-based): chr9:98,840,004, A>G. VCF-style: chr9-98840004-A-G. GRCh37 (hg19) VCF-style: chr9-101602286-A-G.
Identifiers: ClinVar variation 3227907 (VCV003227907.2), dbSNP rs762123272, ClinGen allele CA5154208.

ClinVar aggregate classification (germline): Benign/Likely benign. Review status: criteria provided, multiple submitters, no conflicts (2 of 4 stars). 2 submissions from 2 submitters: Benign (1); Likely benign (1). Last evaluated 2026-04-27.

Conditions:
Colorectal cancer, susceptibility to, 1. Also called: COLORECTAL ADENOMA AND CANCER, SUSCEPTIBILITY TO; COLORECTAL CANCER, SUSCEPTIBILITY TO, ON CHROMOSOME 9. Identifiers: MedGen C1837315, MONDO:0012132, OMIM 608812.

Allele frequency attached by ClinVar (database versions not stated): gnomAD exomes below 0.00001; ExAC 0.00001.
gnomAD v4.1: 4 of 1,614,004 alleles (0.00025%); highest among the groups gnomAD compares: Non-Finnish European, 0.00034%; no homozygotes.

Submissions (2):

Myriad Genetics, Inc.
Classification: Benign for Colorectal cancer, susceptibility to, 1. Last evaluated: 2026-04-27. Review status: criteria provided, single submitter. Criteria: Myriad Autosomal Dominant, Autosomal Recessive and X-Linked Classification Criteria (2023). Collection method: clinical testing. Allele origin: unknown.
Comment: This variant is considered benign. This variant is a silent/synonymous amino acid change and it is not expected to impact splicing.

Ambry Genetics
Classification: Likely benign. Last evaluated: 2024-03-09. Review status: criteria provided, single submitter. Criteria: Ambry Variant Classification Scheme 2023. Collection method: clinical testing. Allele origin: germline.